The following is an entry in ClinVar:

NM_001083614.2(EARS2):c.1193A>G (p.Tyr398Cys)

Gene: EARS2 (glutamyl-tRNA synthetase 2, mitochondrial; minus strand). Cytogenetic location: 16p12.2.
Variant type: single nucleotide variant.
Coding change: c.1193A>G on transcript NM_001083614.2 (MANE Select); coding-DNA position 1193, A replaced by G.
Protein change: p.Tyr398Cys; replaces tyrosine 398 with cysteine.
Molecular consequence: missense variant. On other transcripts: non-coding transcript variant (1).
Genome position (GRCh38, 1-based): chr16:23,529,772, T>C on the plus strand (A>G on the coding strand, the complement: EARS2 is on the minus strand). VCF-style: chr16-23529772-T-C. GRCh37 (hg19) VCF-style: chr16-23541093-T-C.
Other names: c.1193A>G, p.Tyr398Cys (NM_001308211.1); short protein forms Y398C.
Identifiers: ClinVar variation 887028 (VCV000887028.14), dbSNP rs571483034, ClinGen allele CA7962393.

ClinVar aggregate classification (germline): Uncertain significance. Review status: criteria provided, multiple submitters, no conflicts (2 of 4 stars). 4 submissions from 4 submitters: Uncertain significance (4). Last evaluated 2023-08-10.

Conditions:
Leukoencephalopathy-thalamus and brainstem anomalies-high lactate syndrome. Also called: LEUKOENCEPHALOPATHY WITH THALAMUS AND BRAINSTEM INVOLVEMENT AND HIGH LACTATE; Combined oxidative phosphorylation deficiency 12. Identifiers: Orphanet 314051, MedGen C4706421, MONDO:0013971, OMIM 614924.

Allele frequency attached by ClinVar (database versions not stated): gnomAD 0.00001 and 0.00005; TOPMed 0.00002; gnomAD exomes 0.00008 and 0.00018; ExAC 0.00022; 1000 Genomes Project 30x 0.00031; 1000 Genomes Project 0.00040.
gnomAD v4.1: 127 of 1,614,160 alleles (0.0079%); highest among the groups gnomAD compares: South Asian, 0.12%; 2 homozygotes.

Submissions (4):

Labcorp Genetics (formerly Invitae), Labcorp
Classification: Uncertain significance. Last evaluated: 2023-08-10. Review status: criteria provided, single submitter. Criteria: Invitae Variant Classification Sherloc (09022015). Collection method: clinical testing. Allele origin: germline.
Comment: This variant has not been reported in the literature in individuals affected with EARS2-related conditions. This variant is present in population databases (rs571483034, gnomAD 0.1%). This sequence change replaces tyrosine, which is neutral and polar, with cysteine, which is neutral and slightly polar, at codon 398 of the EARS2 protein (p.Tyr398Cys). ClinVar contains an entry for this variant (Variation ID: 887028). In summary, the available evidence is currently insufficient to determine the role of this variant in disease. Therefore, it has been classified as a Variant of Uncertain Significance. Advanced modeling of protein sequence and biophysical properties (such as structural, functional, and spatial information, amino acid conservation, physicochemical variation, residue mobility, and thermodynamic stability) performed at Invitae indicates that this missense variant is expected to disrupt EARS2 protein function.

GeneDx
Classification: Uncertain significance. Last evaluated: 2019-12-13. Review status: criteria provided, single submitter. Criteria: GeneDx Variant Classification Process June 2021. Collection method: clinical testing. Allele origin: germline. Affected: yes.
Comment: The majority of missense variants in this gene are considered pathogenic (Stenson et al., 2014); In silico analysis, which includes protein predictors and evolutionary conservation, supports a deleterious effect; Has not been previously published as pathogenic or benign to our knowledge

Illumina Laboratory Services, Illumina
Classification: Uncertain significance for Leukoencephalopathy-thalamus and brainstem anomalies-high lactate syndrome. Last evaluated: 2018-01-12. Review status: criteria provided, single submitter. Criteria: ICSL Variant Classification Criteria 13 December 2019. Collection method: clinical testing. Allele origin: germline.

Neuberg Centre For Genomic Medicine, NCGM
Classification: Uncertain significance for Leukoencephalopathy-thalamus and brainstem anomalies-high lactate syndrome. Review status: criteria provided, single submitter. Criteria: ACMG Guidelines, 2015. Collection method: clinical testing. Allele origin: germline. Inheritance: Autosomal recessive inheritance. Affected: yes.
Comment: The missense c.1193A>G (p.Tyr398Cys) variant in EARS2 gene has not been reported previously as a pathogenic variant nor as a benign variant, to our knowledge. The p.Tyr398Cys variant is present with allele frequency of 0.02% in gnomAD Exomes. This variant has been submitted to the ClinVar database as Uncertain Significance (multiple submitters). Multiple lines of computational evidence (Polyphen - Probably damaging, SIFT – Damaging and Mutation Taster - Disease causing) predict a damaging effect on protein structure and function for this variant. The reference amino acid at this position on EARS2 gene is predicted as conserved by GERP++ and PhyloP across 100 vertebrates. The amino acid Tyr at position 398 is changed to a Cys changing protein sequence and it might alter its composition and physico-chemical properties. For these reasons, this variant has been classified as Variant of Uncertain Significance (VUS).